The following is an entry in ClinVar:

NM_000916.4(OXTR):c.32C>G (p.Ala11Gly)

Gene: OXTR (oxytocin receptor; minus strand). Cytogenetic location: 3p25.3.
Variant type: single nucleotide variant.
Coding change: c.32C>G on transcript NM_000916.4 (MANE Select); coding-DNA position 32, C replaced by G.
Protein change: p.Ala11Gly; replaces alanine 11 with glycine.
Molecular consequence: missense variant.
Genome position (GRCh38, 1-based): chr3:8,768,156, G>C on the plus strand (C>G on the coding strand, the complement: OXTR is on the minus strand). VCF-style: chr3-8768156-G-C. GRCh37 (hg19) VCF-style: chr3-8809842-G-C.
Other names: c.32C>G, p.Ala11Gly (NM_001354653.2, NM_001354654.2, NM_001354655.2 and 1 more transcripts); short protein forms A11G.
Identifiers: ClinVar variation 5039232 (VCV005039232.1).

ClinVar aggregate classification (germline): Likely benign (1 of 4 stars; one submission).

gnomAD v4.1: 5 of 1,335,394 alleles (0.00037%); highest among the groups gnomAD compares: Non-Finnish European, 0.00048%; 1 homozygote.

Submission:

CeGaT Center for Human Genetics Tuebingen
Classification: Likely benign. Last evaluated: 2026-07-01. Review status: criteria provided, single submitter. Criteria: CeGaT Center For Human Genetics Tuebingen Variant Classification Criteria Version 2. Collection method: clinical testing. Allele origin: germline. Affected: yes. Observed: 1 variant allele.
Comment: OXTR: BP4